The following is an entry in ClinVar:

ClinVar aggregate classification (germline): Uncertain significance (1 of 4 stars; one submission).

gnomAD v4.1: 12 of 1,535,546 alleles (0.00078%); highest among the groups gnomAD compares: South Asian, 0.0036%; no homozygotes.

Submission:

CeGaT Center for Human Genetics Tuebingen
Classification: Uncertain significance. Last evaluated: 2022-06-01. Review status: criteria provided, single submitter. Criteria: CeGaT Center For Human Genetics Tuebingen Variant Classification Criteria Version 2. Collection method: clinical testing. Allele origin: germline. Affected: yes. Observed: 1 variant allele.
Comment: SH2B3: PM2, BP4

NM_005475.3(SH2B3):c.733-11829G>A

Gene: SH2B3 (SH2B adaptor protein 3; plus strand). Cytogenetic location: 12q24.12.
Variant type: single nucleotide variant.
Coding change: c.733-11829G>A on transcript NM_005475.3 (MANE Select); 11829 bases into the intron before coding-DNA position 733, G replaced by A.
Molecular consequence: intron variant. On other transcripts: missense variant (1).
Genome position (GRCh38, 1-based): chr12:111,434,924, G>A. VCF-style: chr12-111434924-G-A. GRCh37 (hg19) VCF-style: chr12-111872728-G-A.
Other names: c.23G>A, p.Arg8His (NM_001291424.1); short protein forms R8H.
Identifiers: ClinVar variation 2643316 (VCV002643316.24), dbSNP rs778416429, ClinGen allele CA386708563.